The following is an entry in ClinVar:

ClinVar aggregate classification (germline): Uncertain significance (1 of 4 stars; one submission).

Conditions:
RASopathy. Also called: rasopathies; Noonan spectrum disorder. Identifiers: Orphanet 536391, MedGen C5555857, MONDO:0021060.

Submission:

Labcorp Genetics (formerly Invitae), Labcorp
Classification: Uncertain significance for RASopathy. Last evaluated: 2025-10-13. Review status: criteria provided, single submitter. Criteria: Invitae Variant Classification Sherloc (09022015). Collection method: clinical testing. Allele origin: germline.
Comment: This sequence change replaces leucine, which is neutral and non-polar, with phenylalanine, which is neutral and non-polar, at codon 711 of the BRAF protein (p.Leu711Phe). This variant is not present in population databases (gnomAD no frequency). This variant has not been reported in the literature in individuals affected with BRAF-related conditions. Invitae Evidence Modeling of protein sequence and biophysical properties (such as structural, functional, and spatial information, amino acid conservation, physicochemical variation, residue mobility, and thermodynamic stability) indicates that this missense variant is not expected to disrupt BRAF protein function with a negative predictive value of 80%. In summary, the available evidence is currently insufficient to determine the role of this variant in disease. Therefore, it has been classified as a Variant of Uncertain Significance.

NM_004333.6(BRAF):c.2131C>T (p.Leu711Phe)

Gene: BRAF (B-Raf proto-oncogene, serine/threonine kinase; minus strand). Cytogenetic location: 7q34.
Variant type: single nucleotide variant.
Coding change: c.2131C>T on transcript NM_004333.6 (MANE Select); coding-DNA position 2131, C replaced by T.
Protein change: p.Leu711Phe; replaces leucine 711 with phenylalanine.
Molecular consequence: missense variant. On other transcripts: intron variant (2).
Genome position (GRCh38, 1-based): chr7:140,734,767, G>A on the plus strand (C>T on the coding strand, the complement: BRAF is on the minus strand). VCF-style: chr7-140734767-G-A. GRCh37 (hg19) VCF-style: chr7-140434567-G-A.
Other names: c.2131C>T, p.Leu711Phe (NM_001354609.2); c.2251C>T, p.Leu751Phe (NM_001374244.1, NM_001374258.1); c.2140C>T, p.Leu714Phe (NM_001378467.1); c.2065C>T, p.Leu689Phe (NM_001378469.1); c.2029C>T, p.Leu677Phe (NM_001378470.1); c.2020C>T, p.Leu674Phe (NM_001378471.1); c.1975C>T, p.Leu659Phe (NM_001378472.1, NM_001378473.1); c.1867C>T, p.Leu623Phe (NM_001378475.1); and 1 more; short protein forms L623F, L659F, L674F, L677F, L689F, L711F, L714F, L751F.
Identifiers: ClinVar variation 4799659 (VCV004799659.1).